The following is an entry in ClinVar:

NM_001039876.3(SYNE4):c.574C>T (p.Arg192Trp)

Gene: SYNE4 (spectrin repeat containing nuclear envelope family member 4; minus strand). Cytogenetic location: 19q13.12.
Variant type: single nucleotide variant.
Coding change: c.574C>T on transcript NM_001039876.3 (MANE Select); coding-DNA position 574, C replaced by T.
Protein change: p.Arg192Trp; replaces arginine 192 with tryptophan.
Molecular consequence: missense variant. On other transcripts: intron variant (1).
Genome position (GRCh38, 1-based): chr19:36,006,794, G>A on the plus strand (C>T on the coding strand, the complement: SYNE4 is on the minus strand). VCF-style: chr19-36006794-G-A. GRCh37 (hg19) VCF-style: chr19-36497696-G-A.
Other names: c.280-123C>T (NM_001297735.3); short protein forms R192W.
Identifiers: ClinVar variation 1300900 (VCV001300900.2), dbSNP rs764851069, ClinGen allele CA9393902.

ClinVar aggregate classification (germline): Uncertain significance (1 of 4 stars; one submission).

Allele frequency attached by ClinVar (database versions not stated): TOPMed 0.00002; gnomAD 0.00002; gnomAD exomes 0.00004; ExAC 0.00001.
gnomAD v4.1: 60 of 1,611,502 alleles (0.0037%); highest among the groups gnomAD compares: Middle Eastern, 0.017%; 1 homozygote.

Submission:

GeneDx
Classification: Uncertain significance. Last evaluated: 2021-10-12. Review status: criteria provided, single submitter. Criteria: GeneDx Variant Classification Process June 2021. Collection method: clinical testing. Allele origin: germline. Affected: yes.
Comment: In silico analysis supports that this missense variant has a deleterious effect on protein structure/function; Has not been previously published as pathogenic or benign to our knowledge